The following is an entry in ClinVar:

ClinVar aggregate classification (germline): Likely benign. Review status: criteria provided, multiple submitters, no conflicts (2 of 4 stars). 3 submissions from 3 submitters: Likely benign (2). 1 of the submissions does not count toward it. Last evaluated 2024-02-14.

Conditions:
Bardet-Biedl syndrome (BBS). Identifiers: Orphanet 110, MedGen C0752166, MONDO:0015229.
BBS10-related disorder. Also called: BBS10-related condition.

Allele frequency attached by ClinVar (database versions not stated): TOPMed 0.00001; ExAC 0.00002; gnomAD 0.00002; gnomAD exomes 0.00002 and 0.00007.
gnomAD v4.1: 107 of 1,611,228 alleles (0.0066%); highest among the groups gnomAD compares: Non-Finnish European, 0.0089%; no homozygotes.

Submissions (3):

Labcorp Genetics (formerly Invitae), Labcorp
Classification: Likely benign for Bardet-Biedl syndrome. Last evaluated: 2024-02-14. Review status: criteria provided, single submitter. Criteria: Invitae Variant Classification Sherloc (09022015). Collection method: clinical testing. Allele origin: germline.

Blueprint Genetics
Classification: Likely benign. Last evaluated: 2024-01-17. Review status: criteria provided, single submitter. Criteria: ACMG Guidelines, 2015. Collection method: clinical testing. Allele origin: germline.

PreventionGenetics, part of Exact Sciences
Classification: Likely benign for BBS10-related condition. Last evaluated: 2021-02-15. Review status: no assertion criteria provided. Collection method: clinical testing. Allele origin: germline. Not counted in ClinVar's aggregate classification.
Comment: This variant is classified as likely benign based on ACMG/AMP sequence variant interpretation guidelines (Richards et al. 2015 PMID: 25741868, with internal and published modifications).

NM_024685.4(BBS10):c.1041T>C (p.Gly347=)

Gene: BBS10 (Bardet-Biedl syndrome 10; minus strand). Cytogenetic location: 12q21.2.
Variant type: single nucleotide variant.
Coding change: c.1041T>C on transcript NM_024685.4 (MANE Select); coding-DNA position 1041, T replaced by C.
Protein change: p.Gly347=; no amino-acid change (glycine 347 retained).
Molecular consequence: synonymous variant.
Genome position (GRCh38, 1-based): chr12:76,346,944, A>G on the plus strand (T>C on the coding strand, the complement: BBS10 is on the minus strand). VCF-style: chr12-76346944-A-G. GRCh37 (hg19) VCF-style: chr12-76740724-A-G.
Identifiers: ClinVar variation 695510 (VCV000695510.13), dbSNP rs747390360, ClinGen allele CA6694236.